The following is an entry in ClinVar:

NM_001039141.3(TRIOBP):c.3632T>C (p.Val1211Ala)

Gene: TRIOBP (TRIO and F-actin binding protein; plus strand). Cytogenetic location: 22q13.1.
Variant type: single nucleotide variant.
Coding change: c.3632T>C on transcript NM_001039141.3 (MANE Select); coding-DNA position 3632, T replaced by C.
Protein change: p.Val1211Ala; replaces valine 1211 with alanine.
Molecular consequence: missense variant.
Genome position (GRCh38, 1-based): chr22:37,726,188, T>C. VCF-style: chr22-37726188-T-C. GRCh37 (hg19) VCF-style: chr22-38122195-T-C.
Other names: short protein forms V1211A.
Identifiers: ClinVar variation 4538666 (VCV004538666.1).

ClinVar aggregate classification (germline): Uncertain significance (1 of 4 stars; one submission).

gnomAD v4.1: 6 of 1,559,752 alleles (0.00038%); highest among the groups gnomAD compares: Non-Finnish European, 0.00052%; no homozygotes.

Submission:

GeneDx
Classification: Uncertain significance. Last evaluated: 2025-06-20. Review status: criteria provided, single submitter. Criteria: GeneDx Variant Classification Process June 2021. Collection method: clinical testing. Allele origin: germline. Affected: yes.
Comment: Not observed at significant frequency in large population cohorts (gnomAD); In silico analysis suggests that this missense variant does not alter protein structure/function; Has not been previously published as pathogenic or benign to our knowledge